The following is an entry in ClinVar:

ClinVar aggregate classification (germline): Pathogenic (1 of 4 stars; one submission).

Submission:

ISCA Site 6
Classification: Pathogenic. Last evaluated: 2011-08-12. Review status: criteria provided, single submitter. Criteria: Kaminsky et al. (Genet Med. 2011). Collection method: clinical testing. Allele origin: unknown. Affected: yes. Observed: 1 variant allele.
Comment: Copy number variation identified through the course of routine clinical cytogenomic testing in postnatal populations. Clinical assertions have been curated as described in Kaminsky et al. 2011.

GRCh38/hg38 1p36.33-36.32(chr1:872305-2642603)x1

Genes: MIB2 (MIB E3 ubiquitin protein ligase 2; plus strand), MIR200A (microRNA 200a; plus strand), MIR200B (microRNA 200b; plus strand), MIR429 (microRNA 429; plus strand), MIR6726 (microRNA 6726; minus strand) and 244 more. Cytogenetic location: 1p36.33-36.32.
Variant type: copy number loss.
Change: copy number 1 (one copy instead of two) of chr1:872,305-2,642,603 (1.77 Mb, GRCh38 coordinates, 1-based), cytogenetic band 1p36.33-36.32.
Identifiers: ClinVar variation 58316 (VCV000058316.2).